The following is an entry in ClinVar:

ClinVar aggregate classification (germline): Conflicting classifications of pathogenicity. Review status: criteria provided, conflicting classifications (1 of 4 stars). 2 submissions from 2 submitters: Uncertain significance (1); Likely benign (1). Last evaluated 2025-12-09.

Allele frequency attached by ClinVar (database versions not stated): ExAC 0.00002; gnomAD 0.00002; ESP Exome Variant Server 0.00015.
gnomAD v4.1: 20 of 1,614,052 alleles (0.0012%); highest among the groups gnomAD compares: Middle Eastern, 0.016%; no homozygotes.

Submissions (2):

Ambry Genetics
Classification: Uncertain significance. Last evaluated: 2025-12-09. Review status: criteria provided, single submitter. Criteria: Ambry Variant Classification Scheme 2023. Collection method: clinical testing. Allele origin: germline.

CeGaT Center for Human Genetics Tuebingen
Classification: Likely benign. Last evaluated: 2023-01-01. Review status: criteria provided, single submitter. Criteria: CeGaT Center For Human Genetics Tuebingen Variant Classification Criteria Version 2. Collection method: clinical testing. Allele origin: germline. Affected: yes. Observed: 1 variant allele.
Comment: FCGR2A: BP4

NM_001136219.3(FCGR2A):c.648G>A (p.Met216Ile)

Gene: FCGR2A (Fc gamma receptor IIa; plus strand). Cytogenetic location: 1q23.3.
Variant type: single nucleotide variant.
Coding change: c.648G>A on transcript NM_001136219.3 (MANE Select); coding-DNA position 648, G replaced by A.
Protein change: p.Met216Ile; replaces methionine 216 with isoleucine.
Molecular consequence: missense variant. On other transcripts: intron variant (2).
Genome position (GRCh38, 1-based): chr1:161,510,862, G>A. VCF-style: chr1-161510862-G-A. GRCh37 (hg19) VCF-style: chr1-161480652-G-A.
Other names: c.645G>A, p.Met215Ile (NM_021642.5); c.619+788G>A (NM_001375296.1); c.616+788G>A (NM_001375297.1); c.645G>A (NM_021642.3); short protein forms M215I, M216I.
Identifiers: ClinVar variation 2639511 (VCV002639511.24), dbSNP rs138599605, ClinGen allele CA1210706.